The following continues an entry in ClinVar:

NM_000104.4(CYP1B1):c.1159G>A (p.Glu387Lys)

Gene: CYP1B1. ClinVar aggregate classification (germline): Pathogenic. Pathogenic (1).

Submissions 11 to 20 of 20:

GeneDx
Classification: Pathogenic. Last evaluated: 2021-08-05. Review status: criteria provided, single submitter. Criteria: GeneDx Variant Classification Process June 2021. Collection method: clinical testing. Allele origin: germline. Affected: yes. Not counted in ClinVar's aggregate classification.
Comment: Recognized as founder variant in the Slovak Roman population (Plasilova et al., 1999); Published functional studies demonstrate a damaging effect whereby enzymatic activity was evaluated in transiently transfected HEK-293T cells. The mutant protein was completely inactive. The levels of mutant CYP1B1 were slightly lower than wild-type, indicating reduced stability. (Lopez-Garrido et al., 2013); In silico analysis, which includes protein predictors and evolutionary conservation, supports a deleterious effect; This variant is associated with the following publications: (PMID: 19204079, 25109919, 10227395, 9497261, 27243976, 27820421, 27272408, 28448622, 16735994, 23218701, 21854771, 21600657, 31453292, 31980526, 32832252, 31589614, 10851252, 23218183)

CeGaT Center for Human Genetics Tuebingen
Classification: Pathogenic. Last evaluated: 2021-06-01. Review status: criteria provided, single submitter. Criteria: CeGaT Center For Human Genetics Tuebingen Variant Classification Criteria Version 2. Collection method: clinical testing. Allele origin: germline. Affected: yes. Observed: 1 variant allele. Not counted in ClinVar's aggregate classification.

Women's Health and Genetics/Laboratory Corporation of America, LabCorp
Classification: Pathogenic for Primary congenital glaucoma. Last evaluated: 2021-04-09. Review status: criteria provided, single submitter. Criteria: LabCorp Variant Classification Summary - May 2015. Collection method: clinical testing. Allele origin: germline. Not counted in ClinVar's aggregate classification.
Comment: Variant summary: CYP1B1 c.1159G>A (p.Glu387Lys) results in a conservative amino acid change in the encoded protein sequence. Four of five in-silico tools predict a damaging effect of the variant on protein function. The variant allele was found at a frequency of 0.00036 in 249726 control chromosomes (gnomAD and publication data). This frequency is not higher than expected for a pathogenic variant in CYP1B1 causing Primary Congenital Glaucoma (0.00036 vs 0.0043), allowing no conclusion about variant significance. c.1159G>A has been reported in the literature in multiple individuals affected with Primary Congenital Glaucoma and Primary open-angle glaucoma. Moreover, the variant was shown to co-segregate with disease in several different families (Stoilov_1998, Plasilova_1999, Lopez-Garrido_2012, Melki_2004). These data indicate that the variant is very likely to be associated with disease. In addition, this variant has been reported as a founder variant in Slovak Gypsies (Roms) (Plasilova_1999). Functional studies report this variant results in having significantly reduced enzyme activity (Lopez-Garrido_2012, Banerjee_2016). Five ClinVar submitters (evaluation after 2014) cite the variant as pathogenic. Based on the evidence outlined above, the variant was classified as pathogenic.

Genomic Medicine Lab, University of California San Francisco
Classification: Likely pathogenic for Glaucoma 3A. Last evaluated: 2020-05-14. Review status: criteria provided, single submitter. Criteria: ACMG Guidelines, 2015. Collection method: clinical testing. Allele origin: maternal. Inheritance: Autosomal recessive inheritance. Affected: yes. Study: CSER-P3EGS. Not counted in ClinVar's aggregate classification.

Eurofins Ntd Llc (ga)
Classification: Pathogenic. Last evaluated: 2018-08-02. Review status: criteria provided, single submitter. Criteria: EGL ClinVar v180209 classification definitions. Collection method: clinical testing. Allele origin: germline. Observed: 2 variant alleles, 2 heterozygotes. Not counted in ClinVar's aggregate classification.

Laboratory for Molecular Medicine, Mass General Brigham Personalized Medicine
Classification: Pathogenic for Glaucoma 3A. Last evaluated: 2017-05-13. Review status: criteria provided, single submitter. Criteria: LMM Criteria. Collection method: clinical testing. Allele origin: germline. Inheritance: Autosomal recessive inheritance. Observed: 1 variant allele. Not counted in ClinVar's aggregate classification.
Comment: The p.Glu387Lys variant in CYP1B1 is a well-established pathogenic variant for p rimary congenital glaucoma, and represents a founder variant in the Slovak Roman i population (Azmanov 2011, Kelbermann 2011, Li 2011, Lim 2013, Plasilova 1999, Reis 2016, Sivadorai 2008). In vitro functional studies support that the p.Glu38 7Lys variant impacts protein function (Banjeree 2016 and Lopez-Garrido 2013). Th is variant has also been identified in 36/64286 European chromosomes by the Exom e Aggregation Consortium (ExAC; dbSNP rs55989760 ); however, this frequency is low enough to be consistent with a recessive carri er frequency. In summary, the p.Glu387Lys variant meets criteria to be classifie d as pathogenic for primary congenital glaucoma in an autosomal recessive manner .

Baylor Genetics
Classification: Pathogenic for Glaucoma 3A. Review status: criteria provided, single submitter. Criteria: ACMG Guidelines, 2015. Collection method: clinical testing. Allele origin: germline. Not counted in ClinVar's aggregate classification.

Institute of Medical Molecular Genetics, University of Zurich
Classification: Pathogenic for Glaucoma 3A. Last evaluated: 2019-08-01. Review status: no assertion criteria provided. Collection method: research. Allele origin: germline, unknown. Affected: yes and no. Observed: 2 heterozygotes, 1 homozygote. Segregation with disease observed. Not counted in ClinVar's aggregate classification.

OMIM
Classification: Pathogenic for GLAUCOMA 3, PRIMARY CONGENITAL, A. Last evaluated: 2008-07-01. Review status: no assertion criteria provided. Collection method: literature only. Allele origin: germline. Not counted in ClinVar's aggregate classification.

GeneReviews
No classification provided. Condition: Glaucoma 3A. Review status: no classification provided. Collection method: literature only. Allele origin: germline. Not counted in ClinVar's aggregate classification.

Literature cited by the submitters: PubMed 9497261 (cited by 6 submitters); PubMed 10227395 (cited by 6 submitters); PubMed 15342693 (cited by 4 submitters); PubMed 18414103 (cited by Labcorp Genetics (formerly Invitae), Labcorp and Dasa); PubMed 21081970 (cited by Labcorp Genetics (formerly Invitae), Labcorp and Laboratory for Molecular Medicine, Mass General Brigham Personalized Medicine); PubMed 21600657 (cited by Labcorp Genetics (formerly Invitae), Labcorp and Laboratory for Molecular Medicine, Mass General Brigham Personalized Medicine); PubMed 23218183 (cited by 6 submitters); PubMed 25109919 (cited by Labcorp Genetics (formerly Invitae), Labcorp and 3billion); PubMed 27272408 (cited by Labcorp Genetics (formerly Invitae), Labcorp and Laboratory for Molecular Medicine, Mass General Brigham Personalized Medicine); PubMed 27820421 (cited by Labcorp Genetics (formerly Invitae), Labcorp); PubMed 18227148 (cited by Labcorp Genetics (formerly Invitae), Labcorp and Dasa); PubMed 27243976 (cited by 4 submitters); PubMed 16735994 (cited by Eurofins Ntd Llc (ga)); PubMed 23218701 (cited by Eurofins Ntd Llc (ga) and Laboratory for Molecular Medicine, Mass General Brigham Personalized Medicine); PubMed 21854771 (cited by Laboratory for Molecular Medicine, Mass General Brigham Personalized Medicine); PubMed 18537981 (cited by Laboratory for Molecular Medicine, Mass General Brigham Personalized Medicine and OMIM); PubMed 32832252 (cited by Institute of Medical Molecular Genetics, University of Zurich); NCBI Bookshelf NBK1135 (cited by GeneReviews).